The following is an entry in ClinVar:

ClinVar aggregate classification (germline): Likely benign (1 of 4 stars; one submission).

gnomAD v4.1: 7 of 1,546,578 alleles (0.00045%); highest among the groups gnomAD compares: African/African-American, 0.0041%; no homozygotes.

Submission:

CeGaT Center for Human Genetics Tuebingen
Classification: Likely benign. Last evaluated: 2024-10-01. Review status: criteria provided, single submitter. Criteria: CeGaT Center For Human Genetics Tuebingen Variant Classification Criteria Version 2. Collection method: clinical testing. Allele origin: germline. Affected: yes. Observed: 1 variant allele.
Comment: WDR81: BP4, BP7

NM_001163809.2(WDR81):c.1389C>T (p.Leu463=)

Gene: WDR81 (WD repeat domain 81; plus strand). Cytogenetic location: 17p13.3.
Variant type: single nucleotide variant.
Coding change: c.1389C>T on transcript NM_001163809.2 (MANE Select); coding-DNA position 1389, C replaced by T.
Protein change: p.Leu463=; no amino-acid change (leucine 463 retained).
Molecular consequence: synonymous variant. On other transcripts: intron variant (3).
Genome position (GRCh38, 1-based): chr17:1,726,348, C>T. VCF-style: chr17-1726348-C-T. GRCh37 (hg19) VCF-style: chr17-1629642-C-T.
Other names: c.-123-1642C>T (NM_152348.4); c.59-4032C>T (NM_001163673.2); c.-15+1562C>T (NM_001163811.2).
Identifiers: ClinVar variation 3388646 (VCV003388646.14).